The following is an entry in ClinVar:

NM_203446.3(SYNJ1):c.*761C>T

Gene: SYNJ1 (synaptojanin 1; minus strand). Cytogenetic location: 21q22.11.
Variant type: single nucleotide variant.
Coding change: c.*761C>T on transcript NM_203446.3 (MANE Select); 761 bases downstream of the stop codon, C replaced by T.
Molecular consequence: 3 prime UTR variant. On other transcripts: missense variant (2).
Genome position (GRCh38, 1-based): chr21:32,631,044, G>A on the plus strand (C>T on the coding strand, the complement: SYNJ1 is on the minus strand). VCF-style: chr21-32631044-G-A. GRCh37 (hg19) VCF-style: chr21-34003354-G-A.
Other names: c.*761C>T (NM_001160302.2); c.4532C>T, p.Thr1511Met (NM_001160306.2); c.4790C>T, p.Thr1597Met (NM_003895.4); short protein forms T1597M, T1511M.
Identifiers: ClinVar variation 478362 (VCV000478362.13), dbSNP rs111516740, ClinGen allele CA10003043.

ClinVar aggregate classification (germline): Likely benign. Review status: criteria provided, single submitter (1 of 4 stars). 2 submissions from 2 submitters: Likely benign (1). 1 of the submissions does not count toward it. Last evaluated 2026-01-18.

Conditions:
SYNJ1-related disorder. Also called: SYNJ1-related condition.
Developmental and epileptic encephalopathy, 53. Also called: Epileptic encephalopathy, early infantile, 53. Identifiers: MedGen C4479313, MONDO:0033362, OMIM 617389.
Early-onset Parkinson disease 20. Also called: PARKINSON DISEASE 20, AUTOSOMAL RECESSIVE EARLY-ONSET. Identifiers: Orphanet 391411, MedGen C3809824, MONDO:0014233, OMIM 615530.

Allele frequency attached by ClinVar (database versions not stated): gnomAD exomes 0.00032; ExAC 0.00045; 1000 Genomes Project 30x 0.00109; 1000 Genomes Project 0.00120; gnomAD 0.00137 and 0.00143; TOPMed 0.00138; ESP Exome Variant Server 0.00146.
gnomAD v4.1: 446 of 1,614,100 alleles (0.028%); highest among the groups gnomAD compares: African/African-American, 0.42%; 6 homozygotes.

Submissions (2):

Labcorp Genetics (formerly Invitae), Labcorp
Classification: Likely benign for Developmental and epileptic encephalopathy, 53; Early-onset Parkinson disease 20. Last evaluated: 2026-01-18. Review status: criteria provided, single submitter. Criteria: Invitae Variant Classification Sherloc (09022015). Collection method: clinical testing. Allele origin: germline.

PreventionGenetics, part of Exact Sciences
Classification: Uncertain significance for SYNJ1-related condition. Last evaluated: 2024-09-09. Review status: no assertion criteria provided. Collection method: clinical testing. Allele origin: germline. Not counted in ClinVar's aggregate classification.
Comment: The SYNJ1 c.4790C>T variant is predicted to result in the amino acid substitution p.Thr1597Met. This variant has been reported in the heterozygous state in a cohort of patient with early onset Parkinson's disease (Supplementary Table 12, Chen et al. 2022. PubMed ID: 35861376). This variant is reported in 0.45% of alleles in individuals of African descent in gnomAD. Although we suspect that this variant may be benign, at this time, the clinical significance of this variant is uncertain due to the absence of conclusive functional and genetic evidence.